The following is an entry in ClinVar:

ClinVar aggregate classification (germline): Uncertain significance (1 of 4 stars; one submission).

Submission:

GeneDx
Classification: Uncertain significance. Last evaluated: 2024-10-07. Review status: criteria provided, single submitter. Criteria: GeneDx Variant Classification Process June 2021. Collection method: clinical testing. Allele origin: germline. Affected: yes.
Comment: Not observed at significant frequency in large population cohorts (gnomAD); In silico analysis supports that this missense variant has a deleterious effect on protein structure/function; Has not been previously published as pathogenic or benign to our knowledge

NM_153252.5(BRWD3):c.1563T>G (p.Phe521Leu)

Gene: BRWD3 (bromodomain and WD repeat domain containing 3; minus strand). Cytogenetic location: Xq21.1.
Variant type: single nucleotide variant.
Coding change: c.1563T>G on transcript NM_153252.5 (MANE Select); coding-DNA position 1563, T replaced by G.
Protein change: p.Phe521Leu; replaces phenylalanine 521 with leucine.
Molecular consequence: missense variant.
Genome position (GRCh38, 1-based): chrX:80,723,835, A>C on the plus strand (T>G on the coding strand, the complement: BRWD3 is on the minus strand). VCF-style: chrX-80723835-A-C. GRCh37 (hg19) VCF-style: chrX-79979334-A-C.
Other names: short protein forms F521L.
Identifiers: ClinVar variation 3776691 (VCV003776691.1).